The following is an entry in ClinVar:

ClinVar aggregate classification (germline): Uncertain significance (1 of 4 stars; one submission).

Conditions:
Werner syndrome (WRN). Identifiers: Orphanet 902, MedGen C0043119, MONDO:0010196, OMIM 277700.

gnomAD v4.1: 1 of 1,613,592 alleles (0.000062%); highest among the groups gnomAD compares: Non-Finnish European, 0.000085%; no homozygotes.

Submission:

Labcorp Genetics (formerly Invitae), Labcorp
Classification: Uncertain significance for Werner syndrome. Last evaluated: 2019-01-15. Review status: criteria provided, single submitter. Criteria: Invitae Variant Classification Sherloc (09022015). Collection method: clinical testing. Allele origin: germline.
Comment: In summary, the available evidence is currently insufficient to determine the role of this variant in disease. Therefore, it has been classified as a Variant of Uncertain Significance. Algorithms developed to predict the effect of missense changes on protein structure and function (SIFT, PolyPhen-2, Align-GVGD) all suggest that this variant is likely to be tolerated, but these predictions have not been confirmed by published functional studies and their clinical significance is uncertain. This variant has not been reported in the literature in individuals with WRN-related conditions. This variant is not present in population databases (ExAC no frequency). This sequence change replaces aspartic acid with asparagine at codon 396 of the WRN protein (p.Asp396Asn). The aspartic acid residue is moderately conserved and there is a small physicochemical difference between aspartic acid and asparagine.

NM_000553.6(WRN):c.1186G>A (p.Asp396Asn)

Gene: WRN (WRN RecQ like helicase; plus strand). Cytogenetic location: 8p12.
Variant type: single nucleotide variant.
Coding change: c.1186G>A on transcript NM_000553.6 (MANE Select); coding-DNA position 1186, G replaced by A.
Protein change: p.Asp396Asn; replaces aspartic acid 396 with asparagine.
Molecular consequence: missense variant.
Genome position (GRCh38, 1-based): chr8:31,081,213, G>A. VCF-style: chr8-31081213-G-A. GRCh37 (hg19) VCF-style: chr8-30938729-G-A.
Other names: short protein forms D396N.
Identifiers: ClinVar variation 841191 (VCV000841191.5), dbSNP rs1206180521, ClinGen allele CA370921161.
Genomic context (GRCh38, chr8:31,081,213, plus strand): 5'-GATGGAGTAGAAGACAACAAATTGAAAGAGAATATGGAAAGAGCTTGTTTGATGTCGTTA[G>A]ATATTACAGAACATGAACTCCAAATTTTGGAACAGCAGTCTCAGGAAGAATATCTTAGTG-3'
Protein context (NP_000544.2, residues 386-406): NMERACLMSL[Asp396Asn]ITEHELQILE